The following is an entry in ClinVar:

ClinVar aggregate classification (germline): Uncertain significance (1 of 4 stars; one submission).

gnomAD v4.1: 5 of 1,613,984 alleles (0.00031%); highest among the groups gnomAD compares: Admixed American, 0.0033%; no homozygotes.

Submission:

Labcorp Genetics (formerly Invitae), Labcorp
Classification: Uncertain significance. Last evaluated: 2024-11-04. Review status: criteria provided, single submitter. Criteria: Invitae Variant Classification Sherloc (09022015). Collection method: clinical testing. Allele origin: germline.
Comment: This sequence change replaces glycine, which is neutral and non-polar, with arginine, which is basic and polar, at codon 107 of the CASQ1 protein (p.Gly107Arg). This variant is not present in population databases (gnomAD no frequency). This variant has not been reported in the literature in individuals affected with CASQ1-related conditions. ClinVar contains an entry for this variant (Variation ID: 2101903). Invitae Evidence Modeling of protein sequence and biophysical properties (such as structural, functional, and spatial information, amino acid conservation, physicochemical variation, residue mobility, and thermodynamic stability) indicates that this missense variant is expected to disrupt CASQ1 protein function with a positive predictive value of 80%. In summary, the available evidence is currently insufficient to determine the role of this variant in disease. Therefore, it has been classified as a Variant of Uncertain Significance.

NM_001231.5(CASQ1):c.319G>C (p.Gly107Arg)

Gene: CASQ1 (calsequestrin 1; plus strand). Cytogenetic location: 1q23.2.
Variant type: single nucleotide variant.
Coding change: c.319G>C on transcript NM_001231.5 (MANE Select); coding-DNA position 319, G replaced by C.
Protein change: p.Gly107Arg; replaces glycine 107 with arginine.
Molecular consequence: missense variant.
Genome position (GRCh38, 1-based): chr1:160,192,841, G>C. VCF-style: chr1-160192841-G-C. GRCh37 (hg19) VCF-style: chr1-160162631-G-C.
Other names: short protein forms G107R.
Identifiers: ClinVar variation 2101903 (VCV002101903.4), dbSNP rs143532190, ClinGen allele CA343253014.
Genomic context (GRCh38, chr1:160,192,841, plus strand): 5'-AATCATAATCCTTCCCTCCAGTTAGCAGCCCAAGTCCTAGAAGACAAGGGTGTTGGCTTC[G>C]GGCTGGTAGACTCTGAGAAGGATGCAGCTGTGGCCAAGAAACTAGGTAAGAGAGGGGAGG-3'
Protein context (NP_001222.3, residues 97-117): QVLEDKGVGF[Gly107Arg]LVDSEKDAAV